The following is an entry in ClinVar:

NM_001386393.1(PANK2):c.868T>C (p.Tyr290His)

Gene: PANK2 (pantothenate kinase 2; plus strand). Cytogenetic location: 20p13.
Variant type: single nucleotide variant.
Coding change: c.868T>C on transcript NM_001386393.1 (MANE Select); coding-DNA position 868, T replaced by C.
Protein change: p.Tyr290His; replaces tyrosine 290 with histidine.
Molecular consequence: missense variant. On other transcripts: 5 prime UTR variant (1), non-coding transcript variant (1).
Genome position (GRCh38, 1-based): chr20:3,910,793, T>C. VCF-style: chr20-3910793-T-C. GRCh37 (hg19) VCF-style: chr20-3891440-T-C.
Other names: c.325T>C, p.Tyr109His (NM_001324191.2, NM_024960.6, NM_153640.4); c.-111T>C (NM_001324193.2); c.1198T>C, p.Tyr400His (NM_153638.4); short protein forms Y290H, Y109H, Y400H.
Identifiers: ClinVar variation 1400734 (VCV001400734.6), dbSNP rs1183615976, ClinGen allele CA408115582.

ClinVar aggregate classification (germline): Uncertain significance (1 of 4 stars; one submission).

Conditions:
Pigmentary pallidal degeneration (NBIA1). Also called: Neuroaxonal dystrophy, late infantile; Hallervorden-Spatz disease; PKAN NEUROAXONAL DYSTROPHY, JUVENILE-ONSET; HARP SYNDROME; Pantothenate Kinase-Associated Neurodegeneration; Neurodegeneration with brain iron accumulation 1. Identifiers: Orphanet 157850, MedGen C0018523, MONDO:0009319, OMIM 234200.

Allele frequency attached by ClinVar (database versions not stated): TOPMed below 0.00001.

Submission:

Labcorp Genetics (formerly Invitae), Labcorp
Classification: Uncertain significance for Pigmentary pallidal degeneration. Last evaluated: 2023-05-23. Review status: criteria provided, single submitter. Criteria: Invitae Variant Classification Sherloc (09022015). Collection method: clinical testing. Allele origin: germline.
Comment: This sequence change replaces tyrosine, which is neutral and polar, with histidine, which is basic and polar, at codon 400 of the PANK2 protein (p.Tyr400His). This variant is not present in population databases (gnomAD no frequency). This variant has not been reported in the literature in individuals affected with PANK2-related conditions. ClinVar contains an entry for this variant (Variation ID: 1400734). Advanced modeling of protein sequence and biophysical properties (such as structural, functional, and spatial information, amino acid conservation, physicochemical variation, residue mobility, and thermodynamic stability) has been performed at Invitae for this missense variant, however the output from this modeling did not meet the statistical confidence thresholds required to predict the impact of this variant on PANK2 protein function. In summary, the available evidence is currently insufficient to determine the role of this variant in disease. Therefore, it has been classified as a Variant of Uncertain Significance.